The following is an entry in ClinVar:

ClinVar aggregate classification (germline): Uncertain significance (1 of 4 stars; one submission).

Conditions:
Hereditary nonpolyposis colorectal neoplasms. Identifiers: MedGen C0009405, MeSH D003123.

Allele frequency attached by ClinVar (database versions not stated): ExAC 0.00001; gnomAD 0.00001.
gnomAD v4.1: 1 of 1,613,974 alleles (0.000062%); highest among the groups gnomAD compares: Non-Finnish European, 0.000085%; no homozygotes.

Submission:

Labcorp Genetics (formerly Invitae), Labcorp
Classification: Uncertain significance for Hereditary nonpolyposis colorectal neoplasms. Last evaluated: 2022-11-13. Review status: criteria provided, single submitter. Criteria: Invitae Variant Classification Sherloc (09022015). Collection method: clinical testing. Allele origin: germline.
Comment: In summary, the available evidence is currently insufficient to determine the role of this variant in disease. Therefore, it has been classified as a Variant of Uncertain Significance. This variant has not been reported in the literature in individuals affected with PMS2-related conditions. Advanced modeling of protein sequence and biophysical properties (such as structural, functional, and spatial information, amino acid conservation, physicochemical variation, residue mobility, and thermodynamic stability) performed at Invitae indicates that this missense variant is not expected to disrupt PMS2 protein function. This sequence change replaces isoleucine, which is neutral and non-polar, with threonine, which is neutral and polar, at codon 223 of the PMS2 protein (p.Ile223Thr). This variant is not present in population databases (gnomAD no frequency).

NM_000535.7(PMS2):c.668T>C (p.Ile223Thr)

Gene: PMS2 (PMS1 homolog 2, mismatch repair system component; minus strand). Cytogenetic location: 7p22.1.
Variant type: single nucleotide variant.
Coding change: c.668T>C on transcript NM_000535.7 (MANE Select); coding-DNA position 668, T replaced by C.
Protein change: p.Ile223Thr; replaces isoleucine 223 with threonine.
Molecular consequence: missense variant. On other transcripts: non-coding transcript variant (1), intron variant (9), 5 prime UTR variant (2).
Genome position (GRCh38, 1-based): chr7:5,999,145, A>G on the plus strand (T>C on the coding strand, the complement: PMS2 is on the minus strand). VCF-style: chr7-5999145-A-G. GRCh37 (hg19) VCF-style: chr7-6038776-A-G.
Other names: c.350T>C, p.Ile117Thr (NM_001406902.1, NM_001406903.1, NM_001406883.1 and 4 more transcripts); c.263T>C, p.Ile88Thr (NM_001406906.1, NM_001406907.1, NM_001406908.1 and 20 more transcripts); c.668T>C, p.Ile223Thr (NM_001406912.1, NM_001322006.2, NM_001322014.2 and 4 more transcripts); c.132+3308T>C (NM_001406911.1); c.359T>C, p.Ile120Thr (NM_001406881.1, NM_001406882.1, NM_001406900.1 and 6 more transcripts); c.332T>C, p.Ile111Thr (NM_001406885.1); c.192+71T>C (NM_001406904.1, NM_001406905.1); c.133-1722T>C (NM_001322013.2, NM_001406909.1); and 6 more; short protein forms I120T, I285T, I111T, I117T, I223T, I231T, I88T.
Identifiers: ClinVar variation 2738909 (VCV002738909.3), dbSNP rs771834092, ClinGen allele CA050844.